The following is an entry in ClinVar:

NM_000020.3(ACVRL1):c.229T>C (p.Cys77Arg)

Gene: ACVRL1 (activin A receptor like type 1; plus strand). Cytogenetic location: 12q13.13.
Variant type: single nucleotide variant.
Coding change: c.229T>C on transcript NM_000020.3 (MANE Select); coding-DNA position 229, T replaced by C.
Protein change: p.Cys77Arg; replaces cysteine 77 with arginine.
Molecular consequence: missense variant.
Genome position (GRCh38, 1-based): chr12:51,913,266, T>C. VCF-style: chr12-51913266-T-C. GRCh37 (hg19) VCF-style: chr12-52307050-T-C.
Other names: c.229T>C, p.Cys77Arg (NM_001077401.2, NM_001406487.1, NM_001406488.1 and 6 more transcripts); short protein forms C77R.
Identifiers: ClinVar variation 1789243 (VCV001789243.3), dbSNP rs2540158883, ClinGen allele CA384897953.

ClinVar aggregate classification (germline): Likely pathogenic. Review status: criteria provided, multiple submitters, no conflicts (2 of 4 stars). 2 submissions from 2 submitters: Likely pathogenic (2). Last evaluated 2025-02-26.

Conditions:
Cardiovascular phenotype. Identifiers: MedGen CN230736.
Telangiectasia, hereditary hemorrhagic, type 2 (HHT2). Also called: Telangiectasia, hereditary hemorrhagic, type II; ACVRL1-Related Hereditary Hemorrhagic Telangiectasia. Identifiers: Orphanet 774, MedGen C1838163, MONDO:0010880, OMIM 600376. Disease mechanism: loss of function.

Submissions (2):

Labcorp Genetics (formerly Invitae), Labcorp
Classification: Likely pathogenic for Telangiectasia, hereditary hemorrhagic, type 2. Last evaluated: 2025-02-26. Review status: criteria provided, single submitter. Criteria: Invitae Variant Classification Sherloc (09022015). Collection method: clinical testing. Allele origin: germline.
Comment: This sequence change replaces cysteine, which is neutral and slightly polar, with arginine, which is basic and polar, at codon 77 of the ACVRL1 protein (p.Cys77Arg). This variant is not present in population databases (gnomAD no frequency). This missense change has been observed in individual(s) with hereditary hemorrhagic telangiectasia (PMID: 29449337, 32503579; internal data). ClinVar contains an entry for this variant (Variation ID: 1789243). Invitae Evidence Modeling of protein sequence and biophysical properties (such as structural, functional, and spatial information, amino acid conservation, physicochemical variation, residue mobility, and thermodynamic stability) indicates that this missense variant is expected to disrupt ACVRL1 protein function with a positive predictive value of 95%. This variant disrupts the p.Cys77 amino acid residue in ACVRL1. Other variant(s) that disrupt this residue have been determined to be pathogenic (PMID: 10694922, 16690726; internal data). This suggests that this residue is clinically significant, and that variants that disrupt this residue are likely to be disease-causing. In summary, the currently available evidence indicates that the variant is pathogenic, but additional data are needed to prove that conclusively. Therefore, this variant has been classified as Likely Pathogenic.

Ambry Genetics
Classification: Likely pathogenic for Cardiovascular phenotype. Last evaluated: 2016-09-26. Review status: criteria provided, single submitter. Criteria: Ambry Variant Classification Scheme 2023. Collection method: clinical testing. Allele origin: germline.
Comment: The p.C77R variant (also known as c.229T>C), located in coding exon 2 of the ACVRL1 gene, results from a T to C substitution at nucleotide position 229. The cysteine at codon 77 is replaced by arginine, an amino acid with highly dissimilar properties. This variant was not reported in population based cohorts in the following databases: Database of Single Nucleotide Polymorphisms (dbSNP), NHLBI Exome Sequencing Project (ESP), and 1000 Genomes Project. In the ESP, this variant was not observed in 6500 samples (13000 alleles) with coverage at this position. This amino acid position is well conserved in available vertebrate species. In addition, this alteration is predicted to be deleterious by in silico analysis. Alterations at the same amino acid position, C77F (Alaa El Din F et al. PLoS ONE, 2015 Jul;10:e0132111), C77W (Klaus DJ et al. Hum. Mutat., 1998;12:137) and C77Y (Olivieri C et al. J. Hum. Genet., 2007 Sep;52:820-9), were reported in individuals with hereditary hemorrhagic telangiectasia. Based on the majority of available evidence to date, this variant is likely to be pathogenic.

Literature cited by the submitters: PubMed 29449337 (cited by Labcorp Genetics (formerly Invitae), Labcorp); PubMed 32503579 (cited by Labcorp Genetics (formerly Invitae), Labcorp); PubMed 10694922 (cited by Labcorp Genetics (formerly Invitae), Labcorp and Ambry Genetics); PubMed 16690726 (cited by Labcorp Genetics (formerly Invitae), Labcorp); PubMed 17786384 (cited by Ambry Genetics); PubMed 26176610 (cited by Ambry Genetics).